The following is an entry in ClinVar:

NM_015937.6(PIGT):c.356C>T (p.Thr119Ile)

Gene: PIGT (phosphatidylinositol glycan anchor biosynthesis class T; plus strand). Cytogenetic location: 20q13.12.
Variant type: single nucleotide variant.
Coding change: c.356C>T on transcript NM_015937.6 (MANE Select); coding-DNA position 356, C replaced by T.
Protein change: p.Thr119Ile; replaces threonine 119 with isoleucine.
Molecular consequence: missense variant. On other transcripts: non-coding transcript variant (2), intron variant (2).
Genome position (GRCh38, 1-based): chr20:45,416,685, C>T. VCF-style: chr20-45416685-C-T. GRCh37 (hg19) VCF-style: chr20-44045325-C-T.
Other names: c.356C>T, p.Thr119Ile (NM_001184729.3); c.325+31C>T (NM_001184728.3); c.187+342C>T (NM_001184730.3); short protein forms T119I.
Identifiers: ClinVar variation 3342910 (VCV003342910.1).

ClinVar aggregate classification (germline): Uncertain significance (1 of 4 stars; one submission).

gnomAD v4.1: 20 of 1,612,674 alleles (0.0012%); highest among the groups gnomAD compares: South Asian, 0.02%; no homozygotes.

Submission:

GeneDx
Classification: Uncertain significance. Last evaluated: 2023-04-13. Review status: criteria provided, single submitter. Criteria: GeneDx Variant Classification Process June 2021. Collection method: clinical testing. Allele origin: germline. Affected: yes.
Comment: In silico analysis supports that this missense variant has a deleterious effect on protein structure/function; Has not been previously published as pathogenic or benign to our knowledge